The following is an entry in ClinVar:

NM_000128.4(F11):c.1179G>A (p.Ala393=)

Gene: F11 (coagulation factor XI; plus strand). Cytogenetic location: 4q35.2.
Variant type: single nucleotide variant.
Coding change: c.1179G>A on transcript NM_000128.4 (MANE Select); coding-DNA position 1179, G replaced by A.
Protein change: p.Ala393=; no amino-acid change (alanine 393 retained).
Molecular consequence: synonymous variant.
Genome position (GRCh38, 1-based): chr4:186,284,135, G>A. VCF-style: chr4-186284135-G-A. GRCh37 (hg19) VCF-style: chr4-187205289-G-A.
Other names: c.1179G>A (NM_000128.3).
Identifiers: ClinVar variation 1086753 (VCV001086753.11), dbSNP rs145927314, ClinGen allele CA3163913.
Genomic context (GRCh38, chr4:186,284,135, plus strand): 5'-CAATGCTTCTGTTGCAGAGTGTACCACCAAAATCAAGCCCAGGATCGTTGGAGGAACTGC[G>A]TCTGTTCGTGGTGAGTGGCCGTGGCAGGTGACCCTGCACACAACCTCACCCACTCAGAGA-3'
Protein context (NP_000119.1, residues 383-403): KIKPRIVGGT[Ala393=]SVRGEWPWQV

ClinVar aggregate classification (germline): Likely benign. Review status: criteria provided, single submitter (1 of 4 stars). 2 submissions from 2 submitters: Likely benign (1). 1 of the submissions does not count toward it. Last evaluated 2025-12-29.

Conditions:
F11-related disorder. Also called: F11-related condition.

Allele frequency attached by ClinVar (database versions not stated): ExAC 0.00008; gnomAD exomes 0.00008 and 0.00019; gnomAD 0.00013 and 0.00016; ESP Exome Variant Server 0.00031; TOPMed 0.00037.
gnomAD v4.1: 312 of 1,614,070 alleles (0.019%); highest among the groups gnomAD compares: Admixed American, 0.033%; no homozygotes.

Submissions (2):

Labcorp Genetics (formerly Invitae), Labcorp
Classification: Likely benign. Last evaluated: 2025-12-29. Review status: criteria provided, single submitter. Criteria: Invitae Variant Classification Sherloc (09022015). Collection method: clinical testing. Allele origin: germline.

PreventionGenetics, part of Exact Sciences
Classification: Likely benign for F11-related condition. Last evaluated: 2024-01-23. Review status: no assertion criteria provided. Collection method: clinical testing. Allele origin: germline. Not counted in ClinVar's aggregate classification.
Comment: This variant is classified as likely benign based on ACMG/AMP sequence variant interpretation guidelines (Richards et al. 2015 PMID: 25741868, with internal and published modifications).